The following is an entry in ClinVar:

NM_201384.3(PLEC):c.12886G>A (p.Glu4296Lys)

Gene: PLEC (plectin; minus strand). Cytogenetic location: 8q24.3.
Variant type: single nucleotide variant.
Coding change: c.12886G>A on transcript NM_201384.3 (MANE Select); coding-DNA position 12886, G replaced by A.
Protein change: p.Glu4296Lys; replaces glutamic acid 4296 with lysine.
Molecular consequence: missense variant.
Genome position (GRCh38, 1-based): chr8:143,916,935, C>T on the plus strand (G>A on the coding strand, the complement: PLEC is on the minus strand). VCF-style: chr8-143916935-C-T. GRCh37 (hg19) VCF-style: chr8-144991103-C-T.
Other names: c.12967G>A (NM_000445.3); c.12886G>A, p.Glu4296Lys (NM_201382.4); c.12898G>A, p.Glu4300Lys (NM_201383.3); c.12967G>A, p.Glu4323Lys (NM_000445.5); c.12844G>A, p.Glu4282Lys (NM_201378.4); c.12820G>A, p.Glu4274Lys (NM_201379.3); c.13297G>A, p.Glu4433Lys (NM_201380.4); c.12790G>A, p.Glu4264Lys (NM_201381.3); short protein forms E4274K, E4323K, E4282K, E4433K, E4264K, E4300K, E4296K.
Identifiers: ClinVar variation 1034431 (VCV001034431.12), dbSNP rs782071585, ClinGen allele CA4923956.
Genomic context (GRCh38, chr8:143,916,935, plus strand): 5'-CCTGCGCCTCCAGCAGCCGCTGCCCCGTGATGTTATCCACCAGGTTCCGGTGCATGGCCT[C>T]GGTGATGGACACCTTCTCCAGCGTCTCCGTGTCCAGGATGCCAGCCACGGGGCCCGTCTC-3'
Protein context (NP_958786.1, residues 4286-4306): TETLEKVSIT[Glu4296Lys]AMHRNLVDNI

ClinVar aggregate classification (germline): Uncertain significance. Review status: criteria provided, multiple submitters, no conflicts (2 of 4 stars). 3 submissions from 3 submitters: Uncertain significance (3). Last evaluated 2024-03-25.

Conditions:
Epidermolysis bullosa simplex 5C, with pyloric atresia (EBS5C). Also called: PLEC1-Related Epidermolysis Bullosa with Pyloric Atresia; Epidermolysis bullosa simplex with pyloric atresia; PLEC-Related Epidermolysis Bullosa with Pyloric Atresia. Identifiers: Orphanet 158684, MedGen C2677349, MONDO:0012807, OMIM 612138.
Epidermolysis bullosa simplex 5B, with muscular dystrophy (EBS5B). Also called: EPIDERMOLYSIS BULLOSA SIMPLEX AND LIMB-GIRDLE MUSCULAR DYSTROPHY; Epidermolysis bullosa simplex with muscular dystrophy. Identifiers: Orphanet 257, MedGen C2931072, MONDO:0009181, OMIM 226670.
Epidermolysis bullosa simplex with nail dystrophy (EBS5D). Identifiers: MedGen C4225309, MONDO:0014661, OMIM 616487.
Epidermolysis bullosa simplex, Ogna type (EBS5A). Also called: Pidermolysis bullosa simplex 5A, Ogna type; EPIDERMOLYSIS BULLOSA SIMPLEX 5A, OGNA TYPE. Identifiers: Orphanet 79401, MedGen C0432317, MONDO:0007555, OMIM 131950.
Autosomal recessive limb-girdle muscular dystrophy type 2Q (LGMDR17). Also called: MUSCULAR DYSTROPHY, LIMB-GIRDLE, AUTOSOMAL RECESSIVE 17. Identifiers: Orphanet 254361, MedGen C3150989, MONDO:0013390, OMIM 613723.

Allele frequency attached by ClinVar (database versions not stated): gnomAD 0.00003; gnomAD exomes 0.00003 and 0.00005; TOPMed 0.00006; ExAC 0.00008.
gnomAD v4.1: 56 of 1,612,724 alleles (0.0035%); highest among the groups gnomAD compares: Admixed American, 0.013%; no homozygotes.

Submissions (3):

Labcorp Genetics (formerly Invitae), Labcorp
Classification: Uncertain significance for Autosomal recessive limb-girdle muscular dystrophy type 2Q; Epidermolysis bullosa simplex, Ogna type; Epidermolysis bullosa simplex with nail dystrophy; Epidermolysis bullosa simplex 5C, with pyloric atresia; Epidermolysis bullosa simplex 5B, with muscular dystrophy. Last evaluated: 2024-03-25. Review status: criteria provided, single submitter. Criteria: Invitae Variant Classification Sherloc (09022015). Collection method: clinical testing. Allele origin: germline.
Comment: This sequence change replaces glutamic acid, which is acidic and polar, with lysine, which is basic and polar, at codon 4323 of the PLEC protein (p.Glu4323Lys). This variant is present in population databases (rs782071585, gnomAD 0.02%). This variant has not been reported in the literature in individuals affected with PLEC-related conditions. ClinVar contains an entry for this variant (Variation ID: 1034431). Advanced modeling of protein sequence and biophysical properties (such as structural, functional, and spatial information, amino acid conservation, physicochemical variation, residue mobility, and thermodynamic stability) has been performed at Invitae for this missense variant, however the output from this modeling did not meet the statistical confidence thresholds required to predict the impact of this variant on PLEC protein function. In summary, the available evidence is currently insufficient to determine the role of this variant in disease. Therefore, it has been classified as a Variant of Uncertain Significance.

Athena Diagnostics
Classification: Uncertain significance. Last evaluated: 2023-10-23. Review status: criteria provided, single submitter. Criteria: Athena Diagnostics Criteria. Collection method: clinical testing. Allele origin: unknown.
Comment: Available data are insufficient to determine the clinical significance of the variant at this time. The frequency of this variant in the general population is uninformative in assessment of its pathogenicity. In some published literature, this variant is referred to as Glu4433Lys. Computational tools disagree on the variant's effect on normal protein function.

Revvity Omics, Revvity
Classification: Uncertain significance. Last evaluated: 2022-05-19. Review status: criteria provided, single submitter. Criteria: ACMG Guidelines, 2015. Collection method: clinical testing. Allele origin: germline.

Literature cited by the submitters: PubMed 35416532 (cited by Athena Diagnostics); PubMed 30161220 (cited by Athena Diagnostics).